The following is an entry in ClinVar:

NM_000069.3(CACNA1S):c.5315C>A (p.Thr1772Asn)

Gene: CACNA1S (calcium voltage-gated channel subunit alpha1 S; minus strand). Cytogenetic location: 1q32.1.
Variant type: single nucleotide variant.
Coding change: c.5315C>A on transcript NM_000069.3 (MANE Select); coding-DNA position 5315, C replaced by A.
Protein change: p.Thr1772Asn; replaces threonine 1772 with asparagine.
Molecular consequence: missense variant.
Genome position (GRCh38, 1-based): chr1:201,040,286, G>T on the plus strand (C>A on the coding strand, the complement: CACNA1S is on the minus strand). VCF-style: chr1-201040286-G-T. GRCh37 (hg19) VCF-style: chr1-201009414-G-T.
Other names: short protein forms T1772N.
Identifiers: ClinVar variation 3074551 (VCV003074551.1), dbSNP rs751225635, ClinGen allele CA344130710.

ClinVar aggregate classification (germline): Uncertain significance (1 of 4 stars; one submission).

Conditions:
Malignant hyperthermia, susceptibility to, 5 (MHS5). Also called: CACNA1S-Related Malignant Hyperthermia Susceptibility. Identifiers: Orphanet 423, MedGen C1866077, MONDO:0011163, OMIM 601887.

Submission:

All of Us Research Program, National Institutes of Health
Classification: Uncertain significance for Malignant hyperthermia, susceptibility to, 5. Last evaluated: 2023-11-20. Review status: criteria provided, single submitter. Criteria: ACMG Guidelines, 2015. Collection method: clinical testing. Allele origin: germline. Inheritance: Autosomal dominant inheritance. Observed: 1 variant allele, 1 heterozygote.
Comment: This missense variant replaces threonine with asparagine at codon 1772 of the CACNA1S protein. Computational prediction suggests that this variant may not impact protein structure and function (internally defined REVEL score threshold <= 0.5, PMID: 27666373). To our knowledge, functional studies have not been reported for this variant. This variant has not been reported in individuals affected with CACNA1S-related disorders in the literature. This variant has not been identified in the general population by the Genome Aggregation Database (gnomAD). The available evidence is insufficient to determine the role of this variant in disease conclusively. Therefore, this variant is classified as a Variant of Uncertain Significance.

This study involves interpretation of variants in research participants for the purpose of population health screening. Participant phenotype was not available at the time of variant classification. Additional details can be found in publication PMID: 35346344, PMCID: PMC8962531